The following is an entry in ClinVar:

ClinVar aggregate classification (germline): Uncertain significance. Review status: criteria provided, multiple submitters, no conflicts (2 of 4 stars). 3 submissions from 3 submitters: Uncertain significance (3). Last evaluated 2025-10-22.

Conditions:
Inborn genetic diseases. Identifiers: MedGen C0950123, MeSH D030342.

Submissions (3):

Ambry Genetics
Classification: Uncertain significance for Inborn genetic diseases. Last evaluated: 2025-10-22. Review status: criteria provided, single submitter. Criteria: Ambry Variant Classification Scheme 2023. Collection method: clinical testing. Allele origin: germline.

GeneDx
Classification: Uncertain significance. Last evaluated: 2022-04-19. Review status: criteria provided, single submitter. Criteria: GeneDx Variant Classification Process June 2021. Collection method: clinical testing. Allele origin: germline. Affected: yes.
Comment: Not observed at significant frequency in large population cohorts (gnomAD); In silico analysis supports that this missense variant does not alter protein structure/function; Has not been previously published as pathogenic or benign to our knowledge

Labcorp Genetics (formerly Invitae), Labcorp
Classification: Uncertain significance. Last evaluated: 2021-10-14. Review status: criteria provided, single submitter. Criteria: Invitae Variant Classification Sherloc (09022015). Collection method: clinical testing. Allele origin: germline.
Comment: This sequence change replaces proline with arginine at codon 40 of the DEAF1 protein (p.Pro40Arg). The proline residue is moderately conserved and there is a moderate physicochemical difference between proline and arginine. This variant is not present in population databases (ExAC no frequency). This variant has not been reported in the literature in individuals affected with DEAF1-related conditions. Advanced modeling of protein sequence and biophysical properties (such as structural, functional, and spatial information, amino acid conservation, physicochemical variation, residue mobility, and thermodynamic stability) performed at Invitae indicates that this missense variant is expected to disrupt DEAF1 protein function. In summary, the available evidence is currently insufficient to determine the role of this variant in disease. Therefore, it has been classified as a Variant of Uncertain Significance.

NM_021008.4(DEAF1):c.119C>G (p.Pro40Arg)

Gene: DEAF1 (DEAF1 transcription factor; minus strand). Cytogenetic location: 11p15.5.
Variant type: single nucleotide variant.
Coding change: c.119C>G on transcript NM_021008.4 (MANE Select); coding-DNA position 119, C replaced by G.
Protein change: p.Pro40Arg; replaces proline 40 with arginine.
Molecular consequence: missense variant. On other transcripts: intron variant (1).
Genome position (GRCh38, 1-based): chr11:694,929, G>C on the plus strand (C>G on the coding strand, the complement: DEAF1 is on the minus strand). VCF-style: chr11-694929-G-C. GRCh37 (hg19) VCF-style: chr11-694929-G-C.
Other names: c.119C>G, p.Pro40Arg (NM_001293634.2); c.-437-3331C>G (NM_001367390.1); short protein forms P40R.
Identifiers: ClinVar variation 1498388 (VCV001498388.8), dbSNP rs1861044984, ClinGen allele CA378939978.